The following is an entry in ClinVar:

ClinVar aggregate classification (germline): Uncertain significance. Review status: criteria provided, multiple submitters, no conflicts (2 of 4 stars). 2 submissions from 2 submitters: Uncertain significance (2). Last evaluated 2025-12-01.

Conditions:
Candidiasis, familial, 9 (CANDF9). Identifiers: Orphanet 1334, MedGen C4225324, MONDO:0014642, OMIM 616445.

Allele frequency attached by ClinVar (database versions not stated): gnomAD 0.00002; gnomAD exomes 0.00002; TOPMed 0.00003.

Submissions (2):

Labcorp Genetics (formerly Invitae), Labcorp
Classification: Uncertain significance for Candidiasis, familial, 9. Last evaluated: 2025-12-01. Review status: criteria provided, single submitter. Criteria: Invitae Variant Classification Sherloc (09022015). Collection method: clinical testing. Allele origin: germline.
Comment: This sequence change replaces arginine, which is basic and polar, with serine, which is neutral and polar, at codon 23 of the IL17RC protein (p.Arg23Ser). This variant is not present in population databases (gnomAD no frequency). This variant has not been reported in the literature in individuals affected with IL17RC-related conditions. ClinVar contains an entry for this variant (Variation ID: 1359308). An algorithm developed to predict the effect of missense changes on protein structure and function (PolyPhen-2) suggests that this variant is likely to be tolerated. In summary, the available evidence is currently insufficient to determine the role of this variant in disease. Therefore, it has been classified as a Variant of Uncertain Significance.

Ambry Genetics
Classification: Uncertain significance. Last evaluated: 2023-10-10. Review status: criteria provided, single submitter. Criteria: Ambry Variant Classification Scheme 2023. Collection method: clinical testing. Allele origin: germline.

NM_153460.4(IL17RC):c.69G>T (p.Arg23Ser)

Gene: IL17RC (interleukin 17 receptor C; plus strand). Cytogenetic location: 3p25.3.
Variant type: single nucleotide variant.
Coding change: c.69G>T on transcript NM_153460.4 (MANE Select); coding-DNA position 69, G replaced by T.
Protein change: p.Arg23Ser; replaces arginine 23 with serine.
Molecular consequence: missense variant. On other transcripts: non-coding transcript variant (1).
Genome position (GRCh38, 1-based): chr3:9,917,384, G>T. VCF-style: chr3-9917384-G-T. GRCh37 (hg19) VCF-style: chr3-9959068-G-T.
Other names: c.69G>T (NM_153461.3); c.69G>T, p.Arg23Ser (NM_001203263.2, NM_001203264.2, NM_001203265.2 and 5 more transcripts); short protein forms R23S.
Identifiers: ClinVar variation 1359308 (VCV001359308.9), dbSNP rs1375505658, ClinGen allele CA351753062.